The following is an entry in ClinVar:

ClinVar aggregate classification (germline): Uncertain significance (1 of 4 stars; one submission).

Conditions:
Hypertrophic cardiomyopathy. Also called: HYPERTROPHIC MYOCARDIOPATHY. Identifiers: Orphanet 217569, MedGen C0007194, MeSH D002312, MONDO:0005045, HP:0001639.

Submission:

Labcorp Genetics (formerly Invitae), Labcorp
Classification: Uncertain significance for Hypertrophic cardiomyopathy. Last evaluated: 2025-11-26. Review status: criteria provided, single submitter. Criteria: Invitae Variant Classification Sherloc (09022015). Collection method: clinical testing. Allele origin: germline.
Comment: This sequence change replaces tyrosine, which is neutral and polar, with phenylalanine, which is neutral and non-polar, at codon 433 of the JPH2 protein (p.Tyr433Phe). This variant is not present in population databases (gnomAD no frequency). This variant has not been reported in the literature in individuals affected with JPH2-related conditions. An algorithm developed to predict the effect of missense changes on protein structure and function (PolyPhen-2) suggests that this variant is likely to be disruptive. In summary, the available evidence is currently insufficient to determine the role of this variant in disease. Therefore, it has been classified as a Variant of Uncertain Significance.

NM_020433.5(JPH2):c.1298A>T (p.Tyr433Phe)

Gene: JPH2 (junctophilin 2; minus strand). Cytogenetic location: 20q13.12.
Variant type: single nucleotide variant.
Coding change: c.1298A>T on transcript NM_020433.5 (MANE Select); coding-DNA position 1298, A replaced by T.
Protein change: p.Tyr433Phe; replaces tyrosine 433 with phenylalanine.
Molecular consequence: missense variant.
Genome position (GRCh38, 1-based): chr20:44,116,377, T>A on the plus strand (A>T on the coding strand, the complement: JPH2 is on the minus strand). VCF-style: chr20-44116377-T-A. GRCh37 (hg19) VCF-style: chr20-42745017-T-A.
Other names: short protein forms Y433F.
Identifiers: ClinVar variation 4693275 (VCV004693275.1).
Genomic context (GRCh38, chr20:44,116,377, plus strand): 5'-GGGGGCTCCAGCAGGCTCTCCGAGTTCTCCAGGATCTCCTGCAGCAGCCGGCGCTTCTGA[T>A]ATTCCGGACCTGCCAGGGCAACACAGGGAGGCTGGGCTCGAACCCCGCACCACTGTTGGG-3'
Protein context (NP_065166.2, residues 423-443): APDFYQPGPE[Tyr433Phe]QKRRLLQEIL